The following is an entry in ClinVar:

ClinVar aggregate classification (germline): Pathogenic (1 of 4 stars; one submission).

Submission:

CeGaT Center for Human Genetics Tuebingen
Classification: Pathogenic. Last evaluated: 2026-06-01. Review status: criteria provided, single submitter. Criteria: CeGaT Center For Human Genetics Tuebingen Variant Classification Criteria Version 2. Collection method: clinical testing. Allele origin: germline. Affected: yes. Observed: 3 variant alleles.
Comment: SPAST: PVS1, PM2

NM_014946.4(SPAST):c.1238del (p.Thr412_Ser413insTer)

Gene: SPAST (spastin; plus strand). Cytogenetic location: 2p22.3.
Variant type: Deletion.
Coding change: c.1238del on transcript NM_014946.4 (MANE Select); coding-DNA position 1238, one base deleted (C; older notation c.1238delC).
Protein change: p.Thr412_Ser413insTer.
Molecular consequence: nonsense.
Genome position (GRCh38, 1-based): chr2:32,128,472, C deleted. VCF-style (leftmost placement, unchanged base first): chr2-32128471-TC-T. GRCh37 (hg19) VCF-style: chr2-32353540-TC-T.
Other names: c.1235del, p.Thr411_Ser412insTer (NM_001363823.2); c.1139del, p.Thr379_Ser380insTer (NM_001363875.2); c.1142del, p.Thr380_Ser381insTer (NM_001377959.1, NM_199436.2).
Identifiers: ClinVar variation 3257358 (VCV003257358.17).